The following is an entry in ClinVar:

NM_000718.4(CACNA1B):c.2503C>T (p.Arg835Ter)

Gene: CACNA1B (calcium voltage-gated channel subunit alpha1 B; plus strand). Cytogenetic location: 9q34.3.
Variant type: single nucleotide variant.
Coding change: c.2503C>T on transcript NM_000718.4 (MANE Select); coding-DNA position 2503, C replaced by T.
Protein change: p.Arg835Ter; replaces arginine 835 with a stop codon.
Molecular consequence: nonsense.
Genome position (GRCh38, 1-based): chr9:138,023,246, C>T. VCF-style: chr9-138023246-C-T. GRCh37 (hg19) VCF-style: chr9-140917698-C-T.
Other names: c.2503C>T (NM_000718.3); c.2503C>T, p.Arg835Ter (NM_001243812.2); short protein forms R835*.
Identifiers: ClinVar variation 2050814 (VCV002050814.5), dbSNP rs778687322, ClinGen allele CA375809529.
Genomic context (GRCh38, chr9:138,023,246, plus strand): 5'-CGGCCGCTGGTGGTGGAGCTGGGCCGCGACGGCGCGCGGGGGCCCGTGGGAGGCAAAGCC[C>T]GACCTGAGGCTGCGGAGGCCCCCGAGGGCGTCGACCCTCCGCGCAGGCACCACCGGCACC-3'

ClinVar aggregate classification (germline): Conflicting classifications of pathogenicity. Review status: criteria provided, conflicting classifications (1 of 4 stars). 2 submissions from 2 submitters: Pathogenic (1); Uncertain significance (1). Last evaluated 2023-11-27.

Submissions (2):

Labcorp Genetics (formerly Invitae), Labcorp
Classification: Pathogenic. Last evaluated: 2023-11-27. Review status: criteria provided, single submitter. Criteria: Invitae Variant Classification Sherloc (09022015). Collection method: clinical testing. Allele origin: germline.
Comment: This sequence change creates a premature translational stop signal (p.Arg835*) in the CACNA1B gene. It is expected to result in an absent or disrupted protein product. Loss-of-function variants in CACNA1B are known to be pathogenic (PMID: 30982612). This variant is not present in population databases (gnomAD no frequency). This variant has not been reported in the literature in individuals affected with CACNA1B-related conditions. ClinVar contains an entry for this variant (Variation ID: 2050814). For these reasons, this variant has been classified as Pathogenic.

GeneDx
Classification: Uncertain significance. Last evaluated: 2023-07-11. Review status: criteria provided, single submitter. Criteria: GeneDx Variant Classification Process June 2021. Collection method: clinical testing. Allele origin: germline. Affected: yes.
Comment: Not observed at significant frequency in large population cohorts (gnomAD); Nonsense variant predicted to result in protein truncation or nonsense mediated decay in a gene or region of a gene for which loss of function is not a well-established mechanism of disease; Has not been previously published as pathogenic or benign to our knowledge; Variants in candidate genes are classified as variants of uncertain significance in accordance with ACMG guidelines (Richards et al., 2015)

Literature cited by the submitters: PubMed 30982612 (cited by Labcorp Genetics (formerly Invitae), Labcorp).